The following is an entry in ClinVar:

NM_015346.4(ZFYVE26):c.5321-3C>T

Gene: ZFYVE26 (zinc finger FYVE-type containing 26; minus strand). Cytogenetic location: 14q24.1.
Variant type: single nucleotide variant.
Coding change: c.5321-3C>T on transcript NM_015346.4 (MANE Select); 3 bases into the intron before coding-DNA position 5321, C replaced by T.
Molecular consequence: intron variant.
Genome position (GRCh38, 1-based): chr14:67,772,213, G>A on the plus strand (C>T on the coding strand, the complement: ZFYVE26 is on the minus strand). VCF-style: chr14-67772213-G-A. GRCh37 (hg19) VCF-style: chr14-68238930-G-A.
Identifiers: ClinVar variation 807134 (VCV000807134.54), dbSNP rs376234357, ClinGen allele CA7239523.

ClinVar aggregate classification (germline): Conflicting classifications of pathogenicity. Review status: criteria provided, conflicting classifications (1 of 4 stars). 5 submissions from 5 submitters: Uncertain significance (3); Likely benign (2). Last evaluated 2026-01-14.

Conditions:
Spastic paraplegia. Identifiers: MedGen C0037772, HP:0001258.
Hereditary spastic paraplegia 15 (SPG15). Also called: SPASTIC PARAPLEGIA 15, AUTOSOMAL RECESSIVE; SPASTIC PARAPLEGIA AND RETINAL DEGENERATION; KJELLIN SYNDROME. Identifiers: Orphanet 100996, MedGen C1849128, MONDO:0010044, OMIM 270700.

Allele frequency attached by ClinVar (database versions not stated): ESP Exome Variant Server 0.00008; TOPMed 0.00009; gnomAD 0.00010 and 0.00011; ExAC 0.00016.
gnomAD v4.1: 183 of 1,612,036 alleles (0.011%); highest among the groups gnomAD compares: Admixed American, 0.013%; no homozygotes.

Submissions (5):

Labcorp Genetics (formerly Invitae), Labcorp
Classification: Uncertain significance for Spastic paraplegia. Last evaluated: 2026-01-14. Review status: criteria provided, single submitter. Criteria: Invitae Variant Classification Sherloc (09022015). Collection method: clinical testing. Allele origin: germline.
Comment: This sequence change falls in intron 27 of the ZFYVE26 gene. It does not directly change the encoded amino acid sequence of the ZFYVE26 protein. It affects a nucleotide within the consensus splice site. This variant is present in population databases (rs376234357, gnomAD 0.08%). This variant has not been reported in the literature in individuals affected with ZFYVE26-related conditions. ClinVar contains an entry for this variant (Variation ID: 807134). Variants that disrupt the consensus splice site are a relatively common cause of aberrant splicing (PMID: 17576681, 9536098). Algorithms developed to predict the effect of sequence changes on RNA splicing suggest that this variant is not likely to affect RNA splicing. In summary, the available evidence is currently insufficient to determine the role of this variant in disease. Therefore, it has been classified as a Variant of Uncertain Significance.

Blueprint Genetics
Classification: Likely benign. Last evaluated: 2024-07-17. Review status: criteria provided, single submitter. Criteria: ACMG Guidelines, 2015. Collection method: clinical testing. Allele origin: germline.

GeneDx
Classification: Likely benign. Last evaluated: 2020-12-29. Review status: criteria provided, single submitter. Criteria: GeneDx Variant Classification Process June 2021. Collection method: clinical testing. Allele origin: germline. Affected: yes.

Illumina Laboratory Services, Illumina
Classification: Uncertain significance for Hereditary spastic paraplegia 15. Last evaluated: 2017-04-27. Review status: criteria provided, single submitter. Criteria: ICSL Variant Classification Criteria 13 December 2019. Collection method: clinical testing. Allele origin: germline.

CeGaT Center for Human Genetics Tuebingen
Classification: Uncertain significance. Last evaluated: 2016-10-01. Review status: criteria provided, single submitter. Criteria: CeGaT Center For Human Genetics Tuebingen Variant Classification Criteria Version 2. Collection method: clinical testing. Allele origin: germline. Affected: yes. Observed: 1 variant allele.

Literature cited by the submitters: PubMed 17576681 (cited by Labcorp Genetics (formerly Invitae), Labcorp); PubMed 9536098 (cited by Labcorp Genetics (formerly Invitae), Labcorp).